The following is an entry in ClinVar:

NM_020778.5(ALPK3):c.994T>G (p.Leu332Val)

Gene: ALPK3 (alpha kinase 3; plus strand). Cytogenetic location: 15q25.3.
Variant type: single nucleotide variant.
Coding change: c.994T>G on transcript NM_020778.5 (MANE Select); coding-DNA position 994, T replaced by G.
Protein change: p.Leu332Val; replaces leucine 332 with valine.
Molecular consequence: missense variant.
Genome position (GRCh38, 1-based): chr15:84,840,273, T>G. VCF-style: chr15-84840273-T-G. GRCh37 (hg19) VCF-style: chr15-85383504-T-G.
Other names: short protein forms L332V.
Identifiers: ClinVar variation 2793763 (VCV002793763.3), dbSNP rs2505705816, ClinGen allele CA393374026.

ClinVar aggregate classification (germline): Uncertain significance (1 of 4 stars; one submission).

Submission:

Labcorp Genetics (formerly Invitae), Labcorp
Classification: Uncertain significance. Last evaluated: 2023-07-08. Review status: criteria provided, single submitter. Criteria: Invitae Variant Classification Sherloc (09022015). Collection method: clinical testing. Allele origin: germline.
Comment: In summary, the available evidence is currently insufficient to determine the role of this variant in disease. Therefore, it has been classified as a Variant of Uncertain Significance. Algorithms developed to predict the effect of sequence changes on RNA splicing suggest that this variant may create or strengthen a splice site. Algorithms developed to predict the effect of missense changes on protein structure and function output the following: SIFT: "Not Available"; PolyPhen-2: "Benign"; Align-GVGD: "Not Available". The valine amino acid residue is found in multiple mammalian species, which suggests that this missense change does not adversely affect protein function. This variant has not been reported in the literature in individuals affected with ALPK3-related conditions. This variant is not present in population databases (gnomAD no frequency). This sequence change replaces leucine, which is neutral and non-polar, with valine, which is neutral and non-polar, at codon 534 of the ALPK3 protein (p.Leu534Val).